The following is an entry in ClinVar:

ClinVar aggregate classification (germline): Uncertain significance (1 of 4 stars; one submission).

Conditions:
Familial focal epilepsy with variable foci (FPEVF). Identifiers: Orphanet 98820, MedGen C1858477, MONDO:0020310.

gnomAD v4.1: 1 of 1,613,788 alleles (0.000062%); highest among the groups gnomAD compares: African/African-American, 0.0013%; no homozygotes.

Submission:

Labcorp Genetics (formerly Invitae), Labcorp
Classification: Uncertain significance for Familial focal epilepsy with variable foci. Last evaluated: 2025-04-10. Review status: criteria provided, single submitter. Criteria: Invitae Variant Classification Sherloc (09022015). Collection method: clinical testing. Allele origin: germline.
Comment: This sequence change replaces alanine, which is neutral and non-polar, with threonine, which is neutral and polar, at codon 701 of the DEPDC5 protein (p.Ala701Thr). This variant is not present in population databases (gnomAD no frequency). This variant has not been reported in the literature in individuals affected with DEPDC5-related conditions. ClinVar contains an entry for this variant (Variation ID: 849682). An algorithm developed to predict the effect of missense changes on protein structure and function outputs the following: PolyPhen-2: "Not Available". The threonine amino acid residue is found in multiple mammalian species, which suggests that this missense change does not adversely affect protein function. In summary, the available evidence is currently insufficient to determine the role of this variant in disease. Therefore, it has been classified as a Variant of Uncertain Significance.

NM_001242896.3(DEPDC5):c.2101G>A (p.Ala701Thr)

Gene: DEPDC5 (DEP domain containing 5, GATOR1 subcomplex subunit; plus strand). Cytogenetic location: 22q12.3.
Variant type: single nucleotide variant.
Coding change: c.2101G>A on transcript NM_001242896.3 (MANE Select); coding-DNA position 2101, G replaced by A.
Protein change: p.Ala701Thr; replaces alanine 701 with threonine.
Molecular consequence: missense variant. On other transcripts: non-coding transcript variant (4), intron variant (3).
Genome position (GRCh38, 1-based): chr22:31,822,787, G>A. VCF-style: chr22-31822787-G-A. GRCh37 (hg19) VCF-style: chr22-32218773-G-A.
Other names: c.2101G>A, p.Ala701Thr (NM_001136029.4, NM_001363852.2, NM_001364318.2 and 3 more transcripts); c.2017G>A, p.Ala673Thr (NM_001369901.1, NM_001369902.1); c.1870+3562G>A (NM_001363854.2, NM_001242897.2, NM_001364319.2); short protein forms A673T, A701T.
Identifiers: ClinVar variation 849682 (VCV000849682.9), dbSNP rs2089821108, ClinGen allele CA411283492.